The following is an entry in ClinVar:

NM_006231.4(POLE):c.3854A>G (p.Gln1285Arg)

Gene: POLE (DNA polymerase epsilon, catalytic subunit; minus strand). Cytogenetic location: 12q24.33.
Variant type: single nucleotide variant.
Coding change: c.3854A>G on transcript NM_006231.4 (MANE Select); coding-DNA position 3854, A replaced by G.
Protein change: p.Gln1285Arg; replaces glutamine 1285 with arginine.
Molecular consequence: missense variant.
Genome position (GRCh38, 1-based): chr12:132,649,457, T>C on the plus strand (A>G on the coding strand, the complement: POLE is on the minus strand). VCF-style: chr12-132649457-T-C. GRCh37 (hg19) VCF-style: chr12-133226043-T-C.
Other names: short protein forms Q1285R.
Identifiers: ClinVar variation 3225446 (VCV003225446.1), dbSNP rs566217456, ClinGen allele CA246310301.
Genomic context (GRCh38, chr12:132,649,457, plus strand): 5'-CCGGGCCTGAGCACACCCTCTGCCGACTCCAGACGCTGCCTCTTCCTGCGGGCGAGGCGC[T>C]GCCGGGCCTGCAGCTGCCACTTCTTCTTGTGGAACCGGAGCCAGACAAGCCATTCCTCCT-3'
Protein context (NP_006222.2, residues 1275-1295): HKKKWQLQAR[Gln1285Arg]RLARRKRQRL

ClinVar aggregate classification (germline): Uncertain significance (1 of 4 stars; one submission).

Conditions:
Hereditary cancer-predisposing syndrome. Also called: Neoplastic Syndromes, Hereditary; Tumor predisposition; Hereditary neoplastic syndrome; Hereditary Cancer Syndrome. Identifiers: Orphanet 140162, MedGen C0027672, MeSH D009386, MONDO:0015356.

Allele frequency attached by ClinVar (database versions not stated): gnomAD 0.00001; 1000 Genomes Project 30x 0.00031; 1000 Genomes Project 0.00040.

Submission:

Ambry Genetics
Classification: Uncertain significance for Hereditary cancer-predisposing syndrome. Last evaluated: 2023-10-13. Review status: criteria provided, single submitter. Criteria: Ambry Variant Classification Scheme 2023. Collection method: clinical testing. Allele origin: germline.
Comment: The p.Q1285R variant (also known as c.3854A>G), located in coding exon 31 of the POLE gene, results from an A to G substitution at nucleotide position 3854. The glutamine at codon 1285 is replaced by arginine, an amino acid with highly similar properties. This amino acid position is conserved. In addition, the in silico prediction for this alteration is inconclusive. Since supporting evidence is limited at this time, the clinical significance of this alteration remains unclear.